The following is an entry in ClinVar:

NM_199420.4(POLQ):c.7486C>A (p.His2496Asn)

Gene: POLQ (DNA polymerase theta; minus strand). Cytogenetic location: 3q13.33.
Variant type: single nucleotide variant.
Coding change: c.7486C>A on transcript NM_199420.4 (MANE Select); coding-DNA position 7486, C replaced by A.
Protein change: p.His2496Asn; replaces histidine 2496 with asparagine.
Molecular consequence: missense variant.
Genome position (GRCh38, 1-based): chr3:121,436,179, G>T on the plus strand (C>A on the coding strand, the complement: POLQ is on the minus strand). VCF-style: chr3-121436179-G-T. GRCh37 (hg19) VCF-style: chr3-121155026-G-T.
Other names: short protein forms H2496N.
Identifiers: ClinVar variation 2563830 (VCV002563830.2), dbSNP rs2546747239, ClinGen allele CA354095811.
Genomic context (GRCh38, chr3:121,436,179, plus strand): 5'-AACCTGTTTGGTCACTTTGGAGCATACCCTCTCGATGACCATGGGATTTGAAGGTTGAGT[G>T]GAAGGTCTCTAATTGCTTCTGAATGTTAACTGTGGCTATTTTGACAATATCAGCTGCTGA-3'
Protein context (NP_955452.3, residues 2486-2506): VNIQKQLETF[His2496Asn]STFKSHGHRE

ClinVar aggregate classification (germline): Uncertain significance (1 of 4 stars; one submission).

Submission:

Ambry Genetics
Classification: Uncertain significance. Last evaluated: 2023-05-05. Review status: criteria provided, single submitter. Criteria: Ambry Variant Classification Scheme 2023. Collection method: clinical testing. Allele origin: germline.
Comment: The p.H2496N variant (also known as c.7486C>A), located in coding exon 28 of the POLQ gene, results from a C to A substitution at nucleotide position 7486. The histidine at codon 2496 is replaced by asparagine, an amino acid with similar properties. This amino acid position is conserved. In addition, the in silico prediction for this alteration is inconclusive. Since supporting evidence is limited at this time, the clinical significance of this alteration remains unclear.